The following is an entry in ClinVar:

NM_001278182.2(EOMES):c.384T>G (p.Ala128=)

Genes: EOMES (eomesodermin; minus strand), LOC129936390 (ATAC-STARR-seq lymphoblastoid silent region 14153; plus strand). Cytogenetic location: 3p24.1.
Variant type: single nucleotide variant.
Coding change: c.384T>G on transcript NM_001278182.2 (MANE Select); coding-DNA position 384, T replaced by G.
Protein change: p.Ala128=; no amino-acid change (alanine 128 retained).
Molecular consequence: synonymous variant. On other transcripts: intron variant (1).
Genome position (GRCh38, 1-based): chr3:27,721,911, A>C on the plus strand (T>G on the coding strand, the complement: EOMES is on the minus strand). VCF-style: chr3-27721911-A-C. GRCh37 (hg19) VCF-style: chr3-27763402-A-C.
Other names: c.384T>G, p.Ala128= (NM_005442.4); c.-5+519T>G (NM_001278183.2); c.384T>G (NM_005442.3).
Identifiers: ClinVar variation 2653638 (VCV002653638.25), dbSNP rs964435966, ClinGen allele CA433058363.

ClinVar aggregate classification (germline): Likely benign. Review status: criteria provided, single submitter (1 of 4 stars). 2 submissions from 2 submitters: Likely benign (1). 1 of the submissions does not count toward it. Last evaluated 2023-03-01.

Conditions:
EOMES-related disorder. Also called: EOMES-related condition.

Submissions (2):

CeGaT Center for Human Genetics Tuebingen
Classification: Likely benign. Last evaluated: 2023-03-01. Review status: criteria provided, single submitter. Criteria: CeGaT Center For Human Genetics Tuebingen Variant Classification Criteria Version 2. Collection method: clinical testing. Allele origin: germline. Affected: yes. Observed: 1 variant allele.
Comment: EOMES: PM2:Supporting, BP4, BP7

PreventionGenetics, part of Exact Sciences
Classification: Likely benign for EOMES-related condition. Last evaluated: 2020-09-30. Review status: no assertion criteria provided. Collection method: clinical testing. Allele origin: germline. Not counted in ClinVar's aggregate classification.
Comment: This variant is classified as likely benign based on ACMG/AMP sequence variant interpretation guidelines (Richards et al. 2015 PMID: 25741868, with internal and published modifications).